The following is an entry in ClinVar:

ClinVar aggregate classification (germline): Uncertain significance (1 of 4 stars; one submission).

Conditions:
WDPCP-related disorder. Also called: WDPCP-related condition.

Submission:

PreventionGenetics, part of Exact Sciences
Classification: Uncertain significance for WDPCP-related condition. Last evaluated: 2025-10-14. Review status: criteria provided, single submitter. Criteria: ACMG Guidelines, 2015. Collection method: clinical testing. Allele origin: germline.
Comment: The WDPCP c.2082A>C variant is predicted to result in the amino acid substitution p.Gln694His. To our knowledge, this variant has not been reported in the literature or in a large population database (gnomAD), indicating this variant is rare. At this time, the clinical significance of this variant is uncertain due to the absence of conclusive functional and genetic evidence.

NM_015910.7(WDPCP):c.2082A>C (p.Gln694His)

Gene: WDPCP (WD repeat containing planar cell polarity effector; minus strand). Cytogenetic location: 2p15.
Variant type: single nucleotide variant.
Coding change: c.2082A>C on transcript NM_015910.7 (MANE Select); coding-DNA position 2082, A replaced by C.
Protein change: p.Gln694His; replaces glutamine 694 with histidine.
Molecular consequence: missense variant. On other transcripts: non-coding transcript variant (3).
Genome position (GRCh38, 1-based): chr2:63,153,571, T>G on the plus strand (A>C on the coding strand, the complement: WDPCP is on the minus strand). VCF-style: chr2-63153571-T-G. GRCh37 (hg19) VCF-style: chr2-63380706-T-G.
Other names: c.1605A>C, p.Gln535His (NM_001042692.3); c.2010A>C, p.Gln670His (NM_001354044.2); short protein forms Q535H, Q694H, Q670H.
Identifiers: ClinVar variation 4998338 (VCV004998338.1).